The following is an entry in ClinVar:

ClinVar aggregate classification (germline): Conflicting classifications of pathogenicity. Review status: criteria provided, conflicting classifications (1 of 4 stars). 13 submissions from 11 submitters: Uncertain significance (7); Likely benign (3). 3 of the submissions do not count toward it. Last evaluated 2026-06-01.

Conditions:
DYSF-related disorder. Also called: DYSF-related condition; DYSF-related disorders.
Autosomal recessive limb-girdle muscular dystrophy. Identifiers: Orphanet 102015, MedGen C2931907, MONDO:0015152.
Neuromuscular disease caused by qualitative or quantitative defects of dysferlin. Also called: Dysferlinopathy; Qualitative or quantitative defects of dysferlin. Identifiers: Orphanet 207073, MedGen C2931687, MONDO:0016145.
Distal myopathy with anterior tibial onset. Identifiers: Orphanet 178400, MedGen C1847532, MONDO:0011721, OMIM 606768.
Autosomal recessive limb-girdle muscular dystrophy type 2B (LGMDR2). Also called: MUSCULAR DYSTROPHY, LIMB-GIRDLE, AUTOSOMAL RECESSIVE 2; Limb-girdle muscular dystrophy, type 2B; Limb-Girdle Muscular Dystrophy Type 2B (LGMD2B); MUSCULAR DYSTROPHY, LIMB-GIRDLE, TYPE 3. Identifiers: Orphanet 268, MedGen C1850889, MONDO:0009676, OMIM 253601.
Miyoshi muscular dystrophy 1 (MMD1). Identifiers: Orphanet 45448, MedGen C4551973, MONDO:0024545, OMIM 254130.

Allele frequency attached by ClinVar (database versions not stated): gnomAD exomes 0.00033 and 0.00056; gnomAD 0.00034 and 0.00033; TOPMed 0.00038; ESP Exome Variant Server 0.00046; ExAC 0.00052.
gnomAD v4.1: 565 of 1,614,116 alleles (0.035%); highest among the groups gnomAD compares: Middle Eastern, 0.23%; no homozygotes.

Submissions (13):

CeGaT Center for Human Genetics Tuebingen
Classification: Likely benign. Last evaluated: 2026-06-01. Review status: criteria provided, single submitter. Criteria: CeGaT Center For Human Genetics Tuebingen Variant Classification Criteria Version 2. Collection method: clinical testing. Allele origin: germline. Affected: yes. Observed: 4 variant alleles.
Comment: DYSF: BP4

Labcorp Genetics (formerly Invitae), Labcorp
Classification: Likely benign for Neuromuscular disease caused by qualitative or quantitative defects of dysferlin. Last evaluated: 2026-01-26. Review status: criteria provided, single submitter. Criteria: Invitae Variant Classification Sherloc (09022015). Collection method: clinical testing. Allele origin: germline.

Blueprint Genetics
Classification: Uncertain significance. Last evaluated: 2024-11-11. Review status: criteria provided, single submitter. Criteria: ACMG Guidelines, 2015. Collection method: clinical testing. Allele origin: germline.

Department of Pathology and Laboratory Medicine, Sinai Health System
Classification: Uncertain significance for autosomal recessive limb-girdle muscular dystrophy. Last evaluated: 2023-01-10. Review status: criteria provided, single submitter. Criteria: ACMG Guidelines, 2015. Collection method: research. Allele origin: germline.

Genome-Nilou Lab
Classification: Uncertain significance for Miyoshi muscular dystrophy 1. Last evaluated: 2021-07-14. Review status: criteria provided, single submitter. Criteria: ACMG Guidelines, 2015. Collection method: clinical testing. Allele origin: germline. Affected: no.

Genome-Nilou Lab
Classification: Uncertain significance for Autosomal recessive limb-girdle muscular dystrophy type 2B. Last evaluated: 2021-07-14. Review status: criteria provided, single submitter. Criteria: ACMG Guidelines, 2015. Collection method: clinical testing. Allele origin: germline. Affected: no.

Genome-Nilou Lab
Classification: Uncertain significance for Distal myopathy with anterior tibial onset. Last evaluated: 2021-07-14. Review status: criteria provided, single submitter. Criteria: ACMG Guidelines, 2015. Collection method: clinical testing. Allele origin: germline. Affected: no.

GeneDx
Classification: Likely benign. Last evaluated: 2020-09-09. Review status: criteria provided, single submitter. Criteria: GeneDx Variant Classification Process June 2021. Collection method: clinical testing. Allele origin: germline. Affected: yes.
Comment: This variant is associated with the following publications: (PMID: 30564623, 27647186)

Baylor Genetics
Classification: Uncertain significance for Miyoshi muscular dystrophy 1. Last evaluated: 2019-03-28. Review status: criteria provided, single submitter. Criteria: ACMG Guidelines, 2015. Collection method: clinical testing. Allele origin: unknown. Affected: yes.
Comment: This variant was determined to be of uncertain significance according to ACMG Guidelines, 2015 [PMID:25741868].

Eurofins Ntd Llc (ga)
Classification: Uncertain significance. Last evaluated: 2017-04-04. Review status: criteria provided, single submitter. Criteria: EGL Classification Definitions 2015. Collection method: clinical testing. Allele origin: germline. Observed: 6 variant alleles, 5 heterozygotes, 1 homozygote.

Natera, Inc.
Classification: Likely benign for Limb-girdle muscular dystrophy type 2B. Last evaluated: 2020-01-06. Review status: no assertion criteria provided. Collection method: clinical testing. Allele origin: germline. Not counted in ClinVar's aggregate classification.

PreventionGenetics, part of Exact Sciences
Classification: Likely benign for DYSF-related condition. Last evaluated: 2019-12-06. Review status: no assertion criteria provided. Collection method: clinical testing. Allele origin: germline. Not counted in ClinVar's aggregate classification.
Comment: This variant is classified as likely benign based on ACMG/AMP sequence variant interpretation guidelines (Richards et al. 2015 PMID: 25741868, with internal and published modifications).

Counsyl
Classification: Uncertain significance for Autosomal recessive limb-girdle muscular dystrophy type 2B. Last evaluated: 2017-01-10. Review status: no assertion criteria provided. Collection method: clinical testing. Allele origin: unknown. Not counted in ClinVar's aggregate classification.

Literature cited by the submitters: PubMed 27647186 (cited by Eurofins Ntd Llc (ga) and Counsyl).

NM_001130987.2(DYSF):c.5333C>A (p.Pro1778Gln)

Gene: DYSF (dysferlin; plus strand). Cytogenetic location: 2p13.2.
Variant type: single nucleotide variant.
Coding change: c.5333C>A on transcript NM_001130987.2 (MANE Select); coding-DNA position 5333, C replaced by A.
Protein change: p.Pro1778Gln; replaces proline 1778 with glutamine.
Molecular consequence: missense variant.
Genome position (GRCh38, 1-based): chr2:71,667,391, C>A. VCF-style: chr2-71667391-C-A. GRCh37 (hg19) VCF-style: chr2-71894521-C-A.
Other names: c.5219C>A, p.Pro1740Gln (NM_001130455.2); c.5174C>A, p.Pro1725Gln (NM_001130976.2); c.5237C>A, p.Pro1746Gln (NM_001130977.2); c.5279C>A, p.Pro1760Gln (NM_001130978.2); c.5309C>A, p.Pro1770Gln (NM_001130979.2); c.5267C>A, p.Pro1756Gln (NM_001130980.2); c.5330C>A, p.Pro1777Gln (NM_001130981.2); c.5312C>A, p.Pro1771Gln (NM_001130982.2); and 5 more; short protein forms P1739Q, P1778Q, P1725Q, P1726Q, P1740Q, P1746Q, P1761Q, P1757Q.
Identifiers: ClinVar variation 285686 (VCV000285686.70), dbSNP rs145272777, ClinGen allele CA1707338.